The following is an entry in ClinVar:

NM_000059.4(BRCA2):c.8154dup (p.Ile2719fs)

Gene: BRCA2 (BRCA2 DNA repair associated; plus strand). Cytogenetic location: 13q13.1.
Variant type: Duplication.
Coding change: c.8154dup on transcript NM_000059.4 (MANE Select); coding-DNA position 8154, one base duplicated (T; older notation c.8154dupT).
Protein change: p.Ile2719fs; shifts the reading frame from isoleucine 2719.
Molecular consequence: frameshift variant. On other transcripts: non-coding transcript variant (1).
Genome position (GRCh38, 1-based): chr13:32,363,356, T duplicated; the last of 2 consecutive T bases (chr13:32,363,355-32,363,356); duplicating either gives the same sequence. VCF-style (leftmost placement, unchanged base first): chr13-32363354-A-AT. GRCh37 (hg19) VCF-style: chr13-32937491-A-AT.
Other names: c.8058dup, p.Ile2687fs (NM_001406719.1); c.8154dup, p.Ile2719fs (NM_001406720.1); c.3222dup, p.Ile1075fs (NM_001406721.1); c.1737dup, p.Ile580fs (NM_001406722.1); short protein forms I1075fs, I2687fs, I2719fs, I580fs.
Identifiers: ClinVar variation 3254416 (VCV003254416.1), dbSNP rs2548546541.

ClinVar aggregate classification (germline): Pathogenic (1 of 4 stars; one submission).

Conditions:
Breast-ovarian cancer, familial, susceptibility to, 2 (BROVCA2). Also called: BRCA2 Hereditary Breast and Ovarian Cancer. Identifiers: Orphanet 145, MedGen C2675520, MONDO:0012933, OMIM 612555. Disease mechanism: loss of function.

Submission:

Myriad Genetics, Inc.
Classification: Pathogenic for Breast-ovarian cancer, familial, susceptibility to, 2. Last evaluated: 2024-06-27. Review status: criteria provided, single submitter. Criteria: Myriad Autosomal Dominant, Autosomal Recessive and X-Linked Classification Criteria (2023). Collection method: clinical testing. Allele origin: unknown.
Comment: This variant is considered pathogenic. This variant creates a frameshift predicted to result in premature protein truncation.